The following is an entry in ClinVar:

ClinVar aggregate classification (germline): Uncertain significance (1 of 4 stars; one submission).

Conditions:
FAT4-related disorder. Also called: FAT4-related condition.

gnomAD v4.1: 2 of 1,613,884 alleles (0.00012%); highest among the groups gnomAD compares: African/African-American, 0.0027%; no homozygotes.

Submission:

PreventionGenetics, part of Exact Sciences
Classification: Uncertain significance for FAT4-related condition. Last evaluated: 2025-03-28. Review status: criteria provided, single submitter. Criteria: ACMG Guidelines, 2015. Collection method: clinical testing. Allele origin: germline.
Comment: The FAT4 c.8996G>A variant is predicted to result in the amino acid substitution p.Gly2999Asp. To our knowledge, this variant has not been reported in the literature or in a large population database (gnomAD), indicating this variant is rare. At this time, the clinical significance of this variant is uncertain due to the absence of conclusive functional and genetic evidence.

NM_001291303.3(FAT4):c.9002G>A (p.Gly3001Asp)

Gene: FAT4 (FAT atypical cadherin 4; plus strand). Cytogenetic location: 4q28.1.
Variant type: single nucleotide variant.
Coding change: c.9002G>A on transcript NM_001291303.3 (MANE Select); coding-DNA position 9002, G replaced by A.
Protein change: p.Gly3001Asp; replaces glycine 3001 with aspartic acid.
Molecular consequence: missense variant.
Genome position (GRCh38, 1-based): chr4:125,450,012, G>A. VCF-style: chr4-125450012-G-A. GRCh37 (hg19) VCF-style: chr4-126371167-G-A.
Other names: c.9002G>A, p.Gly3001Asp (NM_001291285.3, NM_001438396.1, NM_001438397.1); c.3773G>A, p.Gly1258Asp (NM_001437895.1); c.8996G>A, p.Gly2999Asp (NM_024582.6); short protein forms G2999D, G1258D, G3001D.
Identifiers: ClinVar variation 4988413 (VCV004988413.1).
Genomic context (GRCh38, chr4:125,450,012, plus strand): 5'-ATGCACCTCAATTTCTTAAAAGTAAATATTTCACTCCAGTCACCAAAAATGTTAAGGTTG[G>A]TACGAAGTTAATCAGAGTTACAGCAATAGATGACAAAGATTTTGGACTGAATTCAGAAGT-3'
Protein context (NP_001278232.1, residues 2991-3011): FTPVTKNVKV[Gly3001Asp]TKLIRVTAID